The following is an entry in ClinVar:

ClinVar aggregate classification (germline): Uncertain significance (1 of 4 stars; one submission).

gnomAD v4.1: 1 of 1,614,174 alleles (0.000062%); highest among the groups gnomAD compares: Non-Finnish European, 0.000085%; no homozygotes.

Submission:

Labcorp Genetics (formerly Invitae), Labcorp
Classification: Uncertain significance. Last evaluated: 2023-01-24. Review status: criteria provided, single submitter. Criteria: Invitae Variant Classification Sherloc (09022015). Collection method: clinical testing. Allele origin: germline.
Comment: This variant has not been reported in the literature in individuals affected with BEST1-related conditions. In summary, the available evidence is currently insufficient to determine the role of this variant in disease. Therefore, it has been classified as a Variant of Uncertain Significance. Algorithms developed to predict the effect of missense changes on protein structure and function output the following: SIFT: "Tolerated"; PolyPhen-2: "Benign"; Align-GVGD: "Class C0". The threonine amino acid residue is found in multiple mammalian species, which suggests that this missense change does not adversely affect protein function. This variant is not present in population databases (gnomAD no frequency). This sequence change replaces methionine, which is neutral and non-polar, with threonine, which is neutral and polar, at codon 544 of the BEST1 protein (p.Met544Thr).

NM_004183.4(BEST1):c.1631T>C (p.Met544Thr)

Gene: BEST1 (bestrophin 1; plus strand). Cytogenetic location: 11q12.3.
Variant type: single nucleotide variant.
Coding change: c.1631T>C on transcript NM_004183.4 (MANE Select); coding-DNA position 1631, T replaced by C.
Protein change: p.Met544Thr; replaces methionine 544 with threonine.
Molecular consequence: missense variant. On other transcripts: non-coding transcript variant (1).
Genome position (GRCh38, 1-based): chr11:61,962,785, T>C. VCF-style: chr11-61962785-T-C. GRCh37 (hg19) VCF-style: chr11-61730257-T-C.
Other names: c.*526T>C (NM_001363592.2); c.659T>C, p.Met220Thr (NM_001363593.3); c.1451T>C, p.Met484Thr (NM_001139443.3, NM_001300787.2); c.1370T>C, p.Met457Thr (NM_001300786.2); c.1313T>C, p.Met438Thr (NM_001363591.3); short protein forms M438T, M457T, M484T, M220T, M544T.
Identifiers: ClinVar variation 2801103 (VCV002801103.3), dbSNP rs2541416584, ClinGen allele CA380850066.